The following is an entry in ClinVar:

NM_025132.4(WDR19):c.3828_3829dup (p.Cys1277fs)

Gene: WDR19 (WD repeat domain 19; plus strand). Cytogenetic location: 4p14.
Variant type: Duplication.
Coding change: c.3828_3829dup on transcript NM_025132.4 (MANE Select); coding-DNA positions 3828 to 3829, 2 bases duplicated (TT; older notation c.3828_3829dupTT).
Protein change: p.Cys1277fs; shifts the reading frame from cysteine 1277.
Molecular consequence: frameshift variant.
Genome position (GRCh38, 1-based): chr4:39,277,131-39,277,132, TT duplicated. VCF-style (leftmost placement, unchanged base first): chr4-39277130-A-ATT. GRCh37 (hg19) VCF-style: chr4-39278750-A-ATT.
Other names: c.3348_3349dup, p.Cys1117fs (NM_001317924.2); short protein forms C1117fs, C1277fs.
Identifiers: ClinVar variation 3760341 (VCV003760341.2).

ClinVar aggregate classification (germline): Pathogenic (1 of 4 stars; one submission).

Conditions:
Senior-Loken syndrome 8 (SLSN8). Identifiers: Orphanet 3156, MedGen C4225376, MONDO:0014579, OMIM 616307.
Asphyxiating thoracic dystrophy 5 (SRTD5). Also called: SHORT-RIB THORACIC DYSPLASIA 5 WITH OR WITHOUT POLYDACTYLY; SHORT-RIB THORACIC DYSPLASIA 5 WITHOUT POLYDACTYLY. Identifiers: Orphanet 474, MedGen C3280598, MONDO:0013717, OMIM 614376.

Submission:

Labcorp Genetics (formerly Invitae), Labcorp
Classification: Pathogenic for Senior-Loken syndrome 8; Asphyxiating thoracic dystrophy 5. Last evaluated: 2025-06-05. Review status: criteria provided, single submitter. Criteria: Invitae Variant Classification Sherloc (09022015). Collection method: clinical testing. Allele origin: germline.
Comment: This sequence change creates a premature translational stop signal (p.Cys1277Phefs*10) in the WDR19 gene. It is expected to result in an absent or disrupted protein product. Loss-of-function variants in WDR19 are known to be pathogenic (PMID: 22019273, 23559409, 23683095, 26275793, 27241786, 29068549). This variant is not present in population databases (gnomAD no frequency). This variant has not been reported in the literature in individuals affected with WDR19-related conditions. ClinVar contains an entry for this variant (Variation ID: 3760341). For these reasons, this variant has been classified as Pathogenic.

Literature cited by the submitters: PubMed 22019273; PubMed 23559409; PubMed 23683095; PubMed 26275793; PubMed 27241786; PubMed 29068549.